The following is an entry in ClinVar:

NM_032635.4(TMEM147):c.148-2A>G

Gene: TMEM147 (transmembrane protein 147; plus strand). Cytogenetic location: 19q13.12.
Variant type: single nucleotide variant.
Coding change: c.148-2A>G on transcript NM_032635.4 (MANE Select); the canonical splice acceptor site of the intron before coding-DNA position 148, A replaced by G.
Molecular consequence: splice acceptor variant.
Genome position (GRCh38, 1-based): chr19:35,546,524, A>G. VCF-style: chr19-35546524-A-G. GRCh37 (hg19) VCF-style: chr19-36037426-A-G.
Other names: c.1-2A>G (NM_001242597.2); c.148-2A>G (NM_001242598.2).
Identifiers: ClinVar variation 3178846 (VCV003178846.1), dbSNP rs2071558827, ClinGen allele CA405363882.

ClinVar aggregate classification (germline): Uncertain significance (1 of 4 stars; one submission).

Conditions:
Inborn genetic diseases. Identifiers: MedGen C0950123, MeSH D030342.

Allele frequency attached by ClinVar (database versions not stated): gnomAD exomes below 0.00001; gnomAD 0.00001.

Submission:

Ambry Genetics
Classification: Uncertain significance for Inborn genetic diseases. Last evaluated: 2023-10-19. Review status: criteria provided, single submitter. Criteria: Ambry Variant Classification Scheme 2023. Collection method: clinical testing. Allele origin: germline.
Comment: The c.148-2A>G intronic variant results from an A to G substitution two nucleotides before coding exon 3 of the TMEM147 gene. Alterations that disrupt the canonical splice site are expected to result in aberrant splicing. The resulting transcript is predicted to be in-frame and is not expected to trigger nonsense-mediated mRNA decay; however, direct evidence is unavailable. The exact functional effect of the altered amino acid sequence is unknown. Based on data from gnomAD, the G allele has an overall frequency of 0.001% (1/152142) total alleles studied. The highest observed frequency was 0.002% (1/41422) of African/African American alleles. This nucleotide position is highly conserved in available vertebrate species. In silico splice site analysis predicts that this alteration will weaken the native splice acceptor site. Based on insufficient or conflicting evidence, the clinical significance of this alteration remains unclear.